The following is an entry in ClinVar:

NM_000051.4(ATM):c.4612-4_4616del

Gene: ATM (ATM serine/threonine kinase; plus strand). Cytogenetic location: 11q22.3.
Variant type: Deletion.
Coding change: c.4612-4_4616del on transcript NM_000051.4 (MANE Select); 4 bases into the intron before coding-DNA position 4612 through coding-DNA position 4616, 9 bases deleted (TTAGGTATT; older notation c.4612-4_4616delTTAGGTATT).
Molecular consequence: splice acceptor variant.
Genome position (GRCh38, 1-based): chr11:108,293,309-108,293,317, TTAGGTATT deleted; deleting any 9 consecutive bases within chr11:108,293,308-108,293,317 gives the same sequence; the c. name uses the placement nearest the transcript's 3' end. VCF-style (leftmost placement, unchanged base first): chr11-108293307-ATTTAGGTAT-A. GRCh37 (hg19) VCF-style: chr11-108164034-ATTTAGGTAT-A.
Other names: c.4612-4_4616del (NM_001351834.2).
Identifiers: ClinVar variation 4294267 (VCV004294267.1).

ClinVar aggregate classification (germline): Likely pathogenic (1 of 4 stars; one submission).

Conditions:
Familial cancer of breast. Also called: hereditary breast carcinoma; BREAST CANCER, FAMILIAL; Hereditary breast cancer. Identifiers: Orphanet 227535, MedGen C0346153, MONDO:0016419, OMIM 114480. Disease mechanism: loss of function.

Submission:

Myriad Genetics, Inc.
Classification: Likely pathogenic for Familial cancer of breast. Last evaluated: 2025-09-09. Review status: criteria provided, single submitter. Criteria: Myriad Autosomal Dominant, Autosomal Recessive and X-Linked Classification Criteria (2023). Collection method: clinical testing. Allele origin: unknown.
Comment: This variant is considered likely pathogenic. This variant occurs within a consensus splice junction and is predicted to result in abnormal mRNA splicing of either an out-of-frame exon or an in-frame exon necessary for protein stability and/or normal function.